The following is an entry in ClinVar:

NM_017934.7(PHIP):c.545A>C (p.His182Pro)

Gene: PHIP (PHIP subunit of CUL4-Ring ligase complex; minus strand). Cytogenetic location: 6q14.1.
Variant type: single nucleotide variant.
Coding change: c.545A>C on transcript NM_017934.7 (MANE Select); coding-DNA position 545, A replaced by C.
Protein change: p.His182Pro; replaces histidine 182 with proline.
Molecular consequence: missense variant.
Genome position (GRCh38, 1-based): chr6:79,042,898, T>G on the plus strand (A>C on the coding strand, the complement: PHIP is on the minus strand). VCF-style: chr6-79042898-T-G. GRCh37 (hg19) VCF-style: chr6-79752615-T-G.
Other names: short protein forms H182P.
Identifiers: ClinVar variation 1716047 (VCV001716047.5), dbSNP rs1057518337, ClinGen allele CA364643074.

ClinVar aggregate classification (germline): Uncertain significance (1 of 4 stars; one submission).

Submission:

Labcorp Genetics (formerly Invitae), Labcorp
Classification: Uncertain significance. Last evaluated: 2022-11-22. Review status: criteria provided, single submitter. Criteria: Invitae Variant Classification Sherloc (09022015). Collection method: clinical testing. Allele origin: germline.
Comment: Advanced modeling of protein sequence and biophysical properties (such as structural, functional, and spatial information, amino acid conservation, physicochemical variation, residue mobility, and thermodynamic stability) performed at Invitae indicates that this missense variant is expected to disrupt PHIP protein function. In summary, the available evidence is currently insufficient to determine the role of this variant in disease. Therefore, it has been classified as a Variant of Uncertain Significance. This variant has not been reported in the literature in individuals affected with PHIP-related conditions. This variant is not present in population databases (gnomAD no frequency). This sequence change replaces histidine, which is basic and polar, with proline, which is neutral and non-polar, at codon 182 of the PHIP protein (p.His182Pro).